The following is an entry in ClinVar:

ClinVar aggregate classification (germline): Benign/Likely benign. Review status: criteria provided, multiple submitters, no conflicts (2 of 4 stars). 3 submissions from 3 submitters: Benign (2); Likely benign (1). Last evaluated 2026-07-01.

Allele frequency attached by ClinVar (database versions not stated): 1000 Genomes Project 30x 0.00250; 1000 Genomes Project 0.00260; gnomAD 0.00433 and 0.00443; TOPMed 0.00437; gnomAD exomes 0.00527; ESP Exome Variant Server 0.00538; ExAC 0.00672.
gnomAD v4.1: 10,158 of 1,612,304 alleles (0.63%); highest among the groups gnomAD compares: Non-Finnish European, 0.73%; 63 homozygotes.

Submissions (3):

CeGaT Center for Human Genetics Tuebingen
Classification: Likely benign. Last evaluated: 2026-07-01. Review status: criteria provided, single submitter. Criteria: CeGaT Center For Human Genetics Tuebingen Variant Classification Criteria Version 2. Collection method: clinical testing. Allele origin: germline. Affected: yes. Observed: 25 variant alleles.
Comment: BRD4: BP4, BP7, BS2

Labcorp Genetics (formerly Invitae), Labcorp
Classification: Benign. Last evaluated: 2026-01-31. Review status: criteria provided, single submitter. Criteria: Invitae Variant Classification Sherloc (09022015). Collection method: clinical testing. Allele origin: germline.

Breakthrough Genomics
Classification: Benign. Review status: criteria provided, single submitter. Criteria: ACMG Guidelines, 2015. Collection method: not provided. Allele origin: germline. Inheritance: Unknown mechanism. Affected: yes.

NM_001379291.1(BRD4):c.3690C>T (p.Ala1230=)

Gene: BRD4 (bromodomain containing 4; minus strand). Cytogenetic location: 19p13.12.
Variant type: single nucleotide variant.
Coding change: c.3690C>T on transcript NM_001379291.1 (MANE Select); coding-DNA position 3690, C replaced by T.
Protein change: p.Ala1230=; no amino-acid change (alanine 1230 retained).
Molecular consequence: synonymous variant.
Genome position (GRCh38, 1-based): chr19:15,239,151, G>A on the plus strand (C>T on the coding strand, the complement: BRD4 is on the minus strand). VCF-style: chr19-15239151-G-A. GRCh37 (hg19) VCF-style: chr19-15349962-G-A.
Other names: c.3690C>T, p.Ala1230= (NM_058243.3).
Identifiers: ClinVar variation 718319 (VCV000718319.39), dbSNP rs118000160, ClinGen allele CA9264562.
Genomic context (GRCh38, chr19:15,239,151, plus strand): 5'-CTTCTCAGCGTGCTCGGCCTGAGCCTTCAGGGCCTTCTCACGCTCCTCTTTCTCCCGAGC[G>A]GCGCGGCGGAACTGCTCGAAGCTGTCGCTGGATGACTTGGCTGTGGAGGAGGGGGTGGTC-3'
Protein context (NP_001366220.1, residues 1220-1240): SSDSFEQFRR[Ala1230=]AREKEEREKA